The following is an entry in ClinVar:

NM_005050.4(ABCD4):c.1507-3_1507-2dup

Gene: ABCD4 (ATP binding cassette subfamily D member 4; minus strand). Cytogenetic location: 14q24.3.
Variant type: Duplication.
Coding change: c.1507-3_1507-2dup on transcript NM_005050.4 (MANE Select); 3 bases into the intron before coding-DNA position 1507 through the canonical splice acceptor site of the intron before coding-DNA position 1507, 2 bases duplicated (CA; older notation c.1507-3_1507-2dupCA).
Molecular consequence: splice acceptor variant.
Genome position (GRCh38, 1-based): chr14:74,288,261-74,288,262, TG duplicated on the plus strand (CA on the coding strand, the reverse complement: ABCD4 is on the minus strand); duplicating any 2 consecutive bases within chr14:74,288,261-74,288,263 gives the same sequence; the c. name uses the placement nearest the transcript's 3' end. VCF-style (leftmost placement, unchanged base first): chr14-74288260-C-CTG. GRCh37 (hg19) VCF-style: chr14-74754963-C-CTG.
Other names: c.718-3_718-2dup (NM_001353607.2, NM_001353604.2, NM_001353603.2 and 5 more transcripts); c.1030-3_1030-2dup (NM_001353598.2, NM_001353601.2, NM_001353600.2 and 2 more transcripts); c.1195-3_1195-2dup (NM_001353594.2); c.1246-3_1246-2dup (NM_001353593.2); c.1042-3_1042-2dup (NM_001353597.2); c.1093-3_1093-2dup (NM_001353596.2, NM_001353595.2); c.1381-3_1381-2dup (NM_001353591.2, NM_001353592.2); c.774-3_774-2dup (NM_001353610.2); and 1 more.
Identifiers: ClinVar variation 1416657 (VCV001416657.6), dbSNP rs746298456, ClinGen allele CA7266728.

ClinVar aggregate classification (germline): Uncertain significance (1 of 4 stars; one submission).

Conditions:
Methylmalonic acidemia with homocystinuria, type cblJ (MAHCJ). Also called: METHYLMALONIC ACIDURIA AND HOMOCYSTINURIA, cblJ TYPE. Identifiers: Orphanet 369955, MedGen C3553915, MONDO:0013925, OMIM 614857.

Submission:

Labcorp Genetics (formerly Invitae), Labcorp
Classification: Uncertain significance for Methylmalonic acidemia with homocystinuria, type cblJ. Last evaluated: 2021-11-22. Review status: criteria provided, single submitter. Criteria: Invitae Variant Classification Sherloc (09022015). Collection method: clinical testing. Allele origin: germline.
Comment: Algorithms developed to predict the effect of sequence changes on RNA splicing suggest that this variant may disrupt the consensus splice site. In summary, the available evidence is currently insufficient to determine the role of this variant in disease. Therefore, it has been classified as a Variant of Uncertain Significance. This variant has not been reported in the literature in individuals affected with ABCD4-related conditions. This sequence change falls in intron 15 of the ABCD4 gene. It does not directly change the encoded amino acid sequence of the ABCD4 protein. This variant is present in population databases (rs746298456, gnomAD 0.002%).